The following is an entry in ClinVar:

NM_004656.4(BAP1):c.1006G>C (p.Val336Leu)

Gene: BAP1 (BRCA1 associated deubiquitinase 1; minus strand). Cytogenetic location: 3p21.1.
Variant type: single nucleotide variant.
Coding change: c.1006G>C on transcript NM_004656.4 (MANE Select); coding-DNA position 1006, G replaced by C.
Protein change: p.Val336Leu; replaces valine 336 with leucine.
Molecular consequence: missense variant.
Genome position (GRCh38, 1-based): chr3:52,405,220, C>G on the plus strand (G>C on the coding strand, the complement: BAP1 is on the minus strand). VCF-style: chr3-52405220-C-G. GRCh37 (hg19) VCF-style: chr3-52439236-C-G.
Other names: c.952G>C, p.Val318Leu (NM_001410772.1); short protein forms V318L, V336L.
Identifiers: ClinVar variation 1721027 (VCV001721027.6), dbSNP rs2153227052, ClinGen allele CA353105995.

ClinVar aggregate classification (germline): Uncertain significance (1 of 4 stars; one submission).

Conditions:
BAP1-related tumor predisposition syndrome (TPDS1). Also called: Tumor susceptibility linked to germline BAP1 mutations; COMMON Syndrome; TUMOR PREDISPOSITION SYNDROME 1; BAP1 tumor predisposition syndrome. Identifiers: Orphanet 289539, MedGen C3280492, MONDO:0013692, OMIM 614327.

Submission:

Labcorp Genetics (formerly Invitae), Labcorp
Classification: Uncertain significance for BAP1-related tumor predisposition syndrome. Last evaluated: 2022-10-05. Review status: criteria provided, single submitter. Criteria: Invitae Variant Classification Sherloc (09022015). Collection method: clinical testing. Allele origin: germline.
Comment: This sequence change replaces valine, which is neutral and non-polar, with leucine, which is neutral and non-polar, at codon 336 of the BAP1 protein (p.Val336Leu). This variant is not present in population databases (gnomAD no frequency). This variant has not been reported in the literature in individuals affected with BAP1-related conditions. Advanced modeling of protein sequence and biophysical properties (such as structural, functional, and spatial information, amino acid conservation, physicochemical variation, residue mobility, and thermodynamic stability) performed at Invitae indicates that this missense variant is not expected to disrupt BAP1 protein function. In summary, the available evidence is currently insufficient to determine the role of this variant in disease. Therefore, it has been classified as a Variant of Uncertain Significance.